The following is an entry in ClinVar:

ClinVar aggregate classification (germline): Uncertain significance (1 of 4 stars; one submission).

Conditions:
Luscan-Lumish syndrome. Identifiers: Orphanet 597738, MedGen C4085873, MONDO:0014791, OMIM 616831.

gnomAD v4.1: 1 of 1,551,674 alleles (0.000064%); highest among the groups gnomAD compares: East Asian, 0.0024%; no homozygotes.

Submission:

Labcorp Genetics (formerly Invitae), Labcorp
Classification: Uncertain significance for Luscan-lumish syndrome. Last evaluated: 2018-10-20. Review status: criteria provided, single submitter. Criteria: Invitae Variant Classification Sherloc (09022015). Collection method: clinical testing. Allele origin: germline.
Comment: This sequence change replaces arginine with threonine at codon 404 of the SETD2 protein (p.Arg404Thr). The arginine residue is moderately conserved and there is a moderate physicochemical difference between arginine and threonine. This variant is not present in population databases (ExAC no frequency). This variant has not been reported in the literature in individuals with SETD2-related disease. Algorithms developed to predict the effect of missense changes on protein structure and function are either unavailable or do not agree on the potential impact of this missense change (SIFT: "Deleterious"; PolyPhen-2: "Probably Damaging"; Align-GVGD: "Class C0"). Algorithms developed to predict the effect of sequence changes on RNA splicing suggest that this variant may create or strengthen a splice site, but this prediction has not been confirmed by published transcriptional studies. In summary, the available evidence is currently insufficient to determine the role of this variant in disease. Therefore, it has been classified as a Variant of Uncertain Significance.

NM_014159.7(SETD2):c.1211G>C (p.Arg404Thr)

Gene: SETD2 (SET domain containing 2, histone lysine methyltransferase; minus strand). Cytogenetic location: 3p21.31.
Variant type: single nucleotide variant.
Coding change: c.1211G>C on transcript NM_014159.7 (MANE Select); coding-DNA position 1211, G replaced by C.
Protein change: p.Arg404Thr; replaces arginine 404 with threonine.
Molecular consequence: missense variant. On other transcripts: non-coding transcript variant (1).
Genome position (GRCh38, 1-based): chr3:47,123,425, C>G on the plus strand (G>C on the coding strand, the complement: SETD2 is on the minus strand). VCF-style: chr3-47123425-C-G. GRCh37 (hg19) VCF-style: chr3-47164915-C-G.
Other names: c.1079G>C, p.Arg360Thr (NM_001349370.3); short protein forms R360T, R404T.
Identifiers: ClinVar variation 656271 (VCV000656271.1), dbSNP rs1575818079, ClinGen allele CA352531668.
Genomic context (GRCh38, chr3:47,123,425, plus strand): 5'-CGTTCTGACCTGGAATAGGATAAATTAGTTCTAGAGCCTCTCTCAGACCTAGAGTGAGAT[C>G]TGCTCCGCCGTCGCTCTCTTTCTGATCTACATCGGGAAGATACATACCGAGTATCTCTTT-3'
Protein context (NP_054878.5, residues 394-414): CRSERERRRS[Arg404Thr]SHSRSERGSR